The following is an entry in ClinVar:

ClinVar aggregate classification (germline): Conflicting classifications of pathogenicity. Review status: criteria provided, conflicting classifications (1 of 4 stars). 3 submissions from 3 submitters: Uncertain significance (2); Likely benign (1). Last evaluated 2025-12-19.

Conditions:
Intellectual developmental disorder, X-linked, syndromic, Hedera type. Also called: Syndromic X-linked intellectual disability Hedera type. Identifiers: Orphanet 93952, MedGen C1845543, MONDO:0010319, OMIM 300423.

Allele frequency attached by ClinVar (database versions not stated): gnomAD exomes 0.00001; gnomAD 0.00002; TOPMed 0.00001.

Submissions (3):

Labcorp Genetics (formerly Invitae), Labcorp
Classification: Uncertain significance for Intellectual developmental disorder, X-linked, syndromic, Hedera type. Last evaluated: 2025-12-19. Review status: criteria provided, single submitter. Criteria: Invitae Variant Classification Sherloc (09022015). Collection method: clinical testing. Allele origin: germline.
Comment: This sequence change replaces alanine, which is neutral and non-polar, with threonine, which is neutral and polar, at codon 64 of the ATP6AP2 protein (p.Ala64Thr). This variant is present in population databases (no rsID available, gnomAD 0.003%). This variant has not been reported in the literature in individuals affected with ATP6AP2-related conditions. ClinVar contains an entry for this variant (Variation ID: 429667). Invitae Evidence Modeling of protein sequence and biophysical properties (such as structural, functional, and spatial information, amino acid conservation, physicochemical variation, residue mobility, and thermodynamic stability) indicates that this missense variant is not expected to disrupt ATP6AP2 protein function with a negative predictive value of 80%. In summary, the available evidence is currently insufficient to determine the role of this variant in disease. Therefore, it has been classified as a Variant of Uncertain Significance.

CeGaT Center for Human Genetics Tuebingen
Classification: Likely benign. Last evaluated: 2024-07-01. Review status: criteria provided, single submitter. Criteria: CeGaT Center For Human Genetics Tuebingen Variant Classification Criteria Version 2. Collection method: clinical testing. Allele origin: germline. Affected: yes. Observed: 2 variant alleles.
Comment: ATP6AP2: BP4

GeneDx
Classification: Uncertain significance. Last evaluated: 2017-05-11. Review status: criteria provided, single submitter. Criteria: GeneDx Variant Classification (06012015). Collection method: clinical testing. Allele origin: germline. Affected: yes.
Comment: A variant of uncertain significance has been identified in the ATP6AP2 gene. The A64T variant has not been published as a pathogenic variant, nor has it been reported as a benign variant to our knowledge. The A64T variant is not observed in large population cohorts (Lek et al., 2016; 1000 Genomes Consortium et al., 2015; Exome Variant Server). The A64T variant is a non-conservative amino acid substitution, which is likely to impact secondary protein structure as these residues differ in polarity, charge, size and/or other properties. This substitution occurs at a position that is conserved in mammals. However, in silico analysis is inconsistent in its predictions as to whether or not the variant is damaging to the protein structure/function. Therefore, based on the currently available information, it is unclear whether this variant is a pathogenic variant or a rare benign variant.

NM_005765.3(ATP6AP2):c.190G>A (p.Ala64Thr)

Gene: ATP6AP2 (ATPase H+ transporting accessory protein 2; plus strand). Cytogenetic location: Xp11.4.
Variant type: single nucleotide variant.
Coding change: c.190G>A on transcript NM_005765.3 (MANE Select); coding-DNA position 190, G replaced by A.
Protein change: p.Ala64Thr; replaces alanine 64 with threonine.
Molecular consequence: missense variant.
Genome position (GRCh38, 1-based): chrX:40,591,255, G>A. VCF-style: chrX-40591255-G-A. GRCh37 (hg19) VCF-style: chrX-40450507-G-A.
Other names: short protein forms A64T.
Identifiers: ClinVar variation 429667 (VCV000429667.43), dbSNP rs910550834, ClinGen allele CA328985467.